The following is an entry in ClinVar:

NM_013372.7(GREM1):c.103C>G (p.Pro35Ala)

Gene: GREM1 (gremlin 1, DAN family BMP antagonist; plus strand). Cytogenetic location: 15q13.3.
Variant type: single nucleotide variant.
Coding change: c.103C>G on transcript NM_013372.7 (MANE Select); coding-DNA position 103, C replaced by G.
Protein change: p.Pro35Ala; replaces proline 35 with alanine.
Molecular consequence: missense variant. On other transcripts: intron variant (1).
Genome position (GRCh38, 1-based): chr15:32,730,793, C>G. VCF-style: chr15-32730793-C-G. GRCh37 (hg19) VCF-style: chr15-33022994-C-G.
Other names: c.103C>G (NM_013372.6); c.103C>G, p.Pro35Ala (LRG_1365t1, NM_001191323.2, NM_001368719.1); c.27+76C>G (NM_001191322.2); short protein forms P35A.
Identifiers: ClinVar variation 281399 (VCV000281399.61), dbSNP rs111262341, ClinGen allele CA7456106.

ClinVar aggregate classification (germline): Conflicting classifications of pathogenicity. Review status: criteria provided, conflicting classifications (1 of 4 stars). 14 submissions from 14 submitters: Uncertain significance (1); Benign (3); Likely benign (7). 3 of the submissions do not count toward it. Last evaluated 2026-07-01.

Conditions:
Hereditary cancer-predisposing syndrome. Also called: Hereditary neoplastic syndrome; Hereditary Cancer Syndrome; Neoplastic Syndromes, Hereditary; Tumor predisposition. Identifiers: Orphanet 140162, MedGen C0027672, MeSH D009386, MONDO:0015356.
Familial colorectal cancer. Identifiers: MedGen CN280943, MONDO:0023113. Disease mechanism: loss of function.

Allele frequency attached by ClinVar (database versions not stated): 1000 Genomes Project 30x 0.00172; 1000 Genomes Project 0.00180; gnomAD 0.00259 and 0.00265; ESP Exome Variant Server 0.00262; TOPMed 0.00273; gnomAD exomes 0.00275; ExAC 0.00305.
gnomAD v4.1: 6,933 of 1,613,870 alleles (0.43%); highest among the groups gnomAD compares: Non-Finnish European, 0.51%; 25 homozygotes.

Submissions (14):

CeGaT Center for Human Genetics Tuebingen
Classification: Likely benign. Last evaluated: 2026-07-01. Review status: criteria provided, single submitter. Criteria: CeGaT Center For Human Genetics Tuebingen Variant Classification Criteria Version 2. Collection method: clinical testing. Allele origin: germline. Affected: yes. Observed: 16 variant alleles.
Comment: GREM1: BS1

Laboratorio de I+D, Fundación Centro Médico de Asturias
Classification: Benign for Hereditary cancer-predisposing syndrome. Last evaluated: 2025-07-10. Review status: criteria provided, single submitter. Criteria: ACMG Guidelines, 2015. Collection method: clinical testing. Allele origin: germline.
Comment: BS1+BS2+BP4_Moderate+BP1

Center for Genomic Medicine, Rigshospitalet, Copenhagen University Hospital
Classification: Uncertain significance. Last evaluated: 2025-03-04. Review status: criteria provided, single submitter. Criteria: ACMG Guidelines, 2015. Collection method: clinical testing. Allele origin: germline.

Institute for Biomarker Research, Medical Diagnostic Laboratories, L.L.C.
Classification: Likely benign for Hereditary cancer-predisposing syndrome. Last evaluated: 2025-01-15. Review status: criteria provided, single submitter. Criteria: ACMG Guidelines, 2015. Collection method: clinical testing. Allele origin: germline.
Comment: he missense variant NM_013372.7(GREM1):c.103C>G (p.Pro35Ala) has been reported to ClinVar as Conflicting classifications of pathogenicity with a status of (1 stars) criteria provided, conflicting classifications (Variation ID 281399 as of 2025-01-02). The p.Pro35Ala variant is observed in 161/30,566 (0.5267%) alleles from individuals of gnomAD South Asian background in gnomAD. The p.Pro35Ala variant is observed in 9/5,008 (0.1797%) alleles from individuals of 1kG All background in 1kG, which is greater than expected for the disorder. There is a small physicochemical difference between proline and alanine, which is not likely to impact secondary protein structure as these residues share similar properties. For these reasons, this variant has been classified as Likely Benign.

Blueprint Genetics
Classification: Likely benign. Last evaluated: 2024-11-26. Review status: criteria provided, single submitter. Criteria: ACMG Guidelines, 2015. Collection method: clinical testing. Allele origin: germline.

Labcorp Genetics (formerly Invitae), Labcorp
Classification: Benign for Familial colorectal cancer. Last evaluated: 2022-11-04. Review status: criteria provided, single submitter. Criteria: Invitae Variant Classification Sherloc (09022015). Collection method: clinical testing. Allele origin: germline.

Genetic Services Laboratory, University of Chicago
Classification: Likely benign. Last evaluated: 2021-10-06. Review status: criteria provided, single submitter. Criteria: ACMG Guidelines, 2015. Collection method: clinical testing. Allele origin: germline. Affected: no.

Department of Pathology and Laboratory Medicine, Sinai Health System
Classification: Likely benign for Hereditary cancer-predisposing syndrome. Last evaluated: 2021-07-30. Review status: criteria provided, single submitter. Criteria: ACMG Guidelines, 2015. Collection method: research. Allele origin: germline.

Sema4
Classification: Benign for Hereditary cancer-predisposing syndrome. Last evaluated: 2020-04-28. Review status: criteria provided, single submitter. Criteria: Sema4 Curation Guidelines. Collection method: curation. Allele origin: germline.

Eurofins Ntd Llc (ga)
Classification: Likely benign. Last evaluated: 2015-06-18. Review status: criteria provided, single submitter. Criteria: EGL Classification Definitions 2015. Collection method: clinical testing. Allele origin: germline. Observed: 1 variant allele, 1 heterozygote.

Breakthrough Genomics
Classification: Likely benign. Review status: criteria provided, single submitter. Criteria: ACMG Guidelines, 2015. Collection method: not provided. Allele origin: germline. Inheritance: Unknown mechanism. Affected: yes.

Clinical Genetics DNA and cytogenetics Diagnostics Lab, Erasmus MC, Erasmus Medical Center
Classification: Likely benign. Review status: no assertion criteria provided. Collection method: clinical testing. Allele origin: germline. Affected: yes. Study: VKGL Data-share Consensus. Not counted in ClinVar's aggregate classification.

Genome Diagnostics Laboratory, Amsterdam University Medical Center
Classification: Likely benign. Review status: no assertion criteria provided. Collection method: clinical testing. Allele origin: germline. Affected: yes. Study: VKGL Data-share Consensus. Not counted in ClinVar's aggregate classification.

Genome Diagnostics Laboratory, University Medical Center Utrecht
Classification: Likely benign. Review status: no assertion criteria provided. Collection method: clinical testing. Allele origin: germline. Affected: yes. Study: VKGL Data-share Consensus. Not counted in ClinVar's aggregate classification.